The following is an entry in ClinVar:

NM_000747.3(CHRNB1):c.243+14A>G

Gene: CHRNB1 (cholinergic receptor nicotinic beta 1 subunit; plus strand). Cytogenetic location: 17p13.1.
Variant type: single nucleotide variant.
Coding change: c.243+14A>G on transcript NM_000747.3 (MANE Select); 14 bases into the intron after coding-DNA position 243, A replaced by G.
Molecular consequence: intron variant.
Genome position (GRCh38, 1-based): chr17:7,446,127, A>G. VCF-style: chr17-7446127-A-G. GRCh37 (hg19) VCF-style: chr17-7349446-A-G.
Identifiers: ClinVar variation 890188 (VCV000890188.11), dbSNP rs376387886, ClinGen allele CA8347688.

ClinVar aggregate classification (germline): Benign/Likely benign. Review status: criteria provided, multiple submitters, no conflicts (2 of 4 stars). 2 submissions from 2 submitters: Benign (1); Likely benign (1). Last evaluated 2026-01-19.

Conditions:
Congenital myasthenic syndrome 4C (CMS4C). Also called: Myasthenic syndrome, congenital, associated with acetylcholine receptor deficiency. Identifiers: Orphanet 590, MedGen C1837091, MONDO:0012157, OMIM 608931.
Congenital myasthenic syndrome 2A. Also called: Myasthenic syndrome, congenital, 2a, slow-channel. Identifiers: Orphanet 590, MedGen C4225374, MONDO:0014581, OMIM 616313.

Allele frequency attached by ClinVar (database versions not stated): gnomAD exomes 0.00029; ExAC 0.00038; 1000 Genomes Project 0.00080; 1000 Genomes Project 30x 0.00094; gnomAD 0.00125 and 0.00138; TOPMed 0.00141; ESP Exome Variant Server 0.00154.
gnomAD v4.1: 348 of 1,611,588 alleles (0.022%); highest among the groups gnomAD compares: African/African-American, 0.42%; 1 homozygote.

Submissions (2):

Labcorp Genetics (formerly Invitae), Labcorp
Classification: Benign for Congenital myasthenic syndrome 2A. Last evaluated: 2026-01-19. Review status: criteria provided, single submitter. Criteria: Invitae Variant Classification Sherloc (09022015). Collection method: clinical testing. Allele origin: germline.

Illumina Laboratory Services, Illumina
Classification: Likely benign for Congenital myasthenic syndrome 4C. Last evaluated: 2018-01-03. Review status: criteria provided, single submitter. Criteria: ICSL Variant Classification Criteria 13 December 2019. Collection method: clinical testing. Allele origin: germline.
Comment: This variant was observed as part of a predisposition screen in an ostensibly healthy population. A literature search was performed for the gene, cDNA change, and amino acid change (where applicable). No publications were found based on this search. Allele frequency data from public databases allowed determination this variant is unlikely to cause disease. Therefore, this variant is classified as likely benign.